The following is an entry in ClinVar:

ClinVar aggregate classification (germline): Uncertain significance (1 of 4 stars; one submission).

Conditions:
MAGEL2-related disorder. Also called: MAGEL2-related condition.

gnomAD v4.1: 2 of 1,613,956 alleles (0.00012%); highest among the groups gnomAD compares: East Asian, 0.0022%; no homozygotes.

Submission:

PreventionGenetics, part of Exact Sciences
Classification: Uncertain significance for MAGEL2-related condition. Last evaluated: 2026-03-22. Review status: criteria provided, single submitter. Criteria: ACMG Guidelines, 2015. Collection method: clinical testing. Allele origin: germline.
Comment: The MAGEL2 c.2246G>A variant is predicted to result in the amino acid substitution p.Arg749His. To our knowledge, this variant has not been reported in the literature or in a large population database (gnomAD), indicating this variant is rare. At this time, the clinical significance of this variant is uncertain due to the absence of conclusive functional and genetic evidence.

NM_019066.5(MAGEL2):c.2246G>A (p.Arg749His)

Gene: MAGEL2 (MAGE family member L2; minus strand). Cytogenetic location: 15q11.2.
Variant type: single nucleotide variant.
Coding change: c.2246G>A on transcript NM_019066.5 (MANE Select); coding-DNA position 2246, G replaced by A.
Protein change: p.Arg749His; replaces arginine 749 with histidine.
Molecular consequence: missense variant.
Genome position (GRCh38, 1-based): chr15:23,645,497, C>T on the plus strand (G>A on the coding strand, the complement: MAGEL2 is on the minus strand). VCF-style: chr15-23645497-C-T. GRCh37 (hg19) VCF-style: chr15-23890644-C-T.
Other names: short protein forms R749H.
Identifiers: ClinVar variation 4978275 (VCV004978275.1).